The following is an entry in ClinVar:

NM_000175.5(GPI):c.1356G>C (p.Ala452=)

Gene: GPI (glucose-6-phosphate isomerase; plus strand). Cytogenetic location: 19q13.11.
Variant type: single nucleotide variant.
Coding change: c.1356G>C on transcript NM_000175.5 (MANE Select); coding-DNA position 1356, G replaced by C.
Protein change: p.Ala452=; no amino-acid change (alanine 452 retained).
Molecular consequence: synonymous variant.
Genome position (GRCh38, 1-based): chr19:34,399,293, G>C. VCF-style: chr19-34399293-G-C. GRCh37 (hg19) VCF-style: chr19-34890198-G-C.
Other names: p.Ala452=; c.1389G>C, p.Ala463= (NM_001184722.1); c.1473G>C, p.Ala491= (NM_001289789.1); c.1272G>C, p.Ala424= (NM_001289790.3); c.1356G>C, p.Ala452= (NM_001329909.1, NM_001329910.1); c.1329G>C, p.Ala443= (NM_001329911.2); c.1356G>C (NM_000175.4).
Identifiers: ClinVar variation 780554 (VCV000780554.23), dbSNP rs34604585, ClinGen allele CA9367424.

ClinVar aggregate classification (germline): Benign. Review status: criteria provided, multiple submitters, no conflicts (2 of 4 stars). 5 submissions from 5 submitters: Benign (4). 1 of the submissions does not count toward it. Last evaluated 2026-02-03.

Conditions:
Hemolytic anemia due to glucophosphate isomerase deficiency (CNSHA4). Also called: ANEMIA, CONGENITAL, NONSPHEROCYTIC HEMOLYTIC, 4. Identifiers: Orphanet 712, MedGen C0272064, MONDO:0013275, OMIM 613470.
GPI-related disorder. Also called: GPI-related condition.

Allele frequency attached by ClinVar (database versions not stated): 1000 Genomes Project 0.01058; TOPMed 0.01064; ESP Exome Variant Server 0.01176; 1000 Genomes Project 30x 0.01249.
gnomAD v4.1: 3,173 of 1,614,112 alleles (0.2%); highest among the groups gnomAD compares: African/African-American, 3.5%; 41 homozygotes.

Submissions (5):

Labcorp Genetics (formerly Invitae), Labcorp
Classification: Benign. Last evaluated: 2026-02-03. Review status: criteria provided, single submitter. Criteria: Invitae Variant Classification Sherloc (09022015). Collection method: clinical testing. Allele origin: germline.

ARUP Laboratories, Molecular Genetics and Genomics, ARUP Laboratories
Classification: Benign for Hemolytic anemia due to glucophosphate isomerase deficiency. Last evaluated: 2025-06-10. Review status: criteria provided, single submitter. Criteria: ARUP Molecular Germline Variant Investigation Process 2024. Collection method: clinical testing. Allele origin: germline.

Mayo Clinic Laboratories, Mayo Clinic
Classification: Benign. Last evaluated: 2022-07-26. Review status: criteria provided, single submitter. Criteria: ACMG Guidelines, 2015. Collection method: clinical testing. Allele origin: germline. Observed: 35 variant alleles.
Comment: BS1, BS2, BP4, BP7

Breakthrough Genomics
Classification: Benign. Review status: criteria provided, single submitter. Criteria: ACMG Guidelines, 2015. Collection method: not provided. Allele origin: germline. Inheritance: Autosomal recessive inheritance. Affected: yes.

PreventionGenetics, part of Exact Sciences
Classification: Benign for GPI-related condition. Last evaluated: 2020-01-21. Review status: no assertion criteria provided. Collection method: clinical testing. Allele origin: germline. Not counted in ClinVar's aggregate classification.
Comment: This variant is classified as benign based on ACMG/AMP sequence variant interpretation guidelines (Richards et al. 2015 PMID: 25741868, with internal and published modifications).